The following is an entry in ClinVar:

ClinVar aggregate classification (germline): Uncertain significance (1 of 4 stars; one submission).

Submission:

GeneDx
Classification: Uncertain significance. Last evaluated: 2024-02-20. Review status: criteria provided, single submitter. Criteria: GeneDx Variant Classification Process June 2021. Collection method: clinical testing. Allele origin: germline. Affected: yes.
Comment: Not observed at significant frequency in large population cohorts (gnomAD); In silico analysis supports that this missense variant has a deleterious effect on protein structure/function; Has not been previously published as pathogenic or benign to our knowledge

NM_007144.3(PCGF2):c.914C>T (p.Thr305Ile)

Genes: CISD3 (CDGSH iron sulfur domain 3; plus strand), PCGF2 (polycomb group ring finger 2; minus strand). Cytogenetic location: 17q12.
Variant type: single nucleotide variant.
Coding change: c.914C>T on transcript NM_007144.3 (MANE Select); coding-DNA position 914, C replaced by T.
Protein change: p.Thr305Ile; replaces threonine 305 with isoleucine.
Molecular consequence: missense variant. On other transcripts: 3 prime UTR variant (1).
Genome position (GRCh38, 1-based): chr17:38,735,344, G>A on the plus strand (C>T on the coding strand, the complement: PCGF2 is on the minus strand). VCF-style: chr17-38735344-G-A. GRCh37 (hg19) VCF-style: chr17-36891597-G-A.
Other names: c.*1889G>A (NM_001136498.2); c.914C>T, p.Thr305Ile (NM_001369614.1, NM_001369615.1); short protein forms T305I.
Identifiers: ClinVar variation 3369093 (VCV003369093.1).
Genomic context (GRCh38, chr17:38,735,344, plus strand): 5'-GATGGTGTCTGCAGGCAGTTCAAGCTACCCCCGTTGGCAGCTGTGGTGGCCCCACTGGCT[G>A]TCGAAGGGGGAGTGGGGGAGGTAGGGTGGGTGGCTGGAGGCCCATGGGAACTGGGAGAGC-3'
Protein context (NP_009075.1, residues 295-315): THPTSPTPPS[Thr305Ile]ASGATTAANG